The following is an entry in ClinVar:

NM_000089.4(COL1A2):c.2509G>A (p.Val837Ile)

Gene: COL1A2 (collagen type I alpha 2 chain; plus strand). Cytogenetic location: 7q21.3.
Variant type: single nucleotide variant.
Coding change: c.2509G>A on transcript NM_000089.4 (MANE Select); coding-DNA position 2509, G replaced by A.
Protein change: p.Val837Ile; replaces valine 837 with isoleucine.
Molecular consequence: missense variant.
Genome position (GRCh38, 1-based): chr7:94,423,062, G>A. VCF-style: chr7-94423062-G-A. GRCh37 (hg19) VCF-style: chr7-94052374-G-A.
Other names: short protein forms V837I.
Identifiers: ClinVar variation 2948244 (VCV002948244.3), dbSNP rs1247057409, ClinGen allele CA368224061.

ClinVar aggregate classification (germline): Uncertain significance (1 of 4 stars; one submission).

Conditions:
Osteogenesis imperfecta type I (OI1). Also called: Lobstein disease; OI, TYPE I; OSTEOGENESIS IMPERFECTA TARDA; OSTEOGENESIS IMPERFECTA WITH BLUE SCLERAE; Osteogenesis imperfecta type 1; Lobstein's Disease. Identifiers: Orphanet 216796, Orphanet 666, MedGen C0023931, MONDO:0008146, OMIM 166200. Disease mechanism: loss of function.
Ehlers-Danlos syndrome, classic type, 1 (EDSCL1). Also called: EDS I; EHLERS-DANLOS SYNDROME, GRAVIS TYPE; EHLERS-DANLOS SYNDROME, SEVERE CLASSIC TYPE; Ehlers-Danlos syndrome, type 1; Ehlers-Danlos Syndrome, Classic Type, COL5A1-Related. Identifiers: MedGen C0268335, MONDO:0019567, OMIM 130000.

Allele frequency attached by ClinVar (database versions not stated): gnomAD 0.00001; gnomAD exomes below 0.00001; TOPMed 0.00003.
gnomAD v4.1: 3 of 1,614,052 alleles (0.00019%); highest among the groups gnomAD compares: African/African-American, 0.0027%; no homozygotes.

Submission:

Labcorp Genetics (formerly Invitae), Labcorp
Classification: Uncertain significance for Osteogenesis imperfecta type I; Ehlers-Danlos syndrome, classic type, 1. Last evaluated: 2023-11-28. Review status: criteria provided, single submitter. Criteria: Invitae Variant Classification Sherloc (09022015). Collection method: clinical testing. Allele origin: germline.
Comment: This sequence change replaces valine, which is neutral and non-polar, with isoleucine, which is neutral and non-polar, at codon 837 of the COL1A2 protein (p.Val837Ile). This variant is present in population databases (no rsID available, gnomAD 0.01%). This variant has not been reported in the literature in individuals affected with COL1A2-related conditions. Advanced modeling of protein sequence and biophysical properties (such as structural, functional, and spatial information, amino acid conservation, physicochemical variation, residue mobility, and thermodynamic stability) performed at Invitae indicates that this missense variant is not expected to disrupt COL1A2 protein function with a negative predictive value of 95%. In summary, the available evidence is currently insufficient to determine the role of this variant in disease. Therefore, it has been classified as a Variant of Uncertain Significance.